The following is an entry in ClinVar:

NM_015272.5(RPGRIP1L):c.281G>A (p.Arg94Gln)

Gene: RPGRIP1L (RPGRIP1 like; minus strand). Cytogenetic location: 16q12.2.
Variant type: single nucleotide variant.
Coding change: c.281G>A on transcript NM_015272.5 (MANE Select); coding-DNA position 281, G replaced by A.
Protein change: p.Arg94Gln; replaces arginine 94 with glutamine.
Molecular consequence: missense variant.
Genome position (GRCh38, 1-based): chr16:53,692,314, C>T on the plus strand (G>A on the coding strand, the complement: RPGRIP1L is on the minus strand). VCF-style: chr16-53692314-C-T. GRCh37 (hg19) VCF-style: chr16-53726226-C-T.
Other names: c.281G>A, p.Arg94Gln (NM_001127897.4, NM_001308334.3, NM_001330538.2); c.281G>A (NM_015272.4); short protein forms R94Q.
Identifiers: ClinVar variation 1311307 (VCV001311307.6), dbSNP rs549881475, ClinGen allele CA8058145.

ClinVar aggregate classification (germline): Uncertain significance. Review status: criteria provided, multiple submitters, no conflicts (2 of 4 stars). 4 submissions from 4 submitters: Uncertain significance (4). Last evaluated 2026-01-13.

Conditions:
RPGRIP1L-related disorder. Also called: RPGRIP1L-related condition; RPGRIP1L-related disorders. Identifiers: MedGen CN239416.
Meckel-Gruber syndrome. Also called: DYSENCEPHALIA SPLANCHNOCYSTICA; GRUBER SYNDROME; Dysencephalia splachnocystica. Identifiers: Orphanet 564, MedGen C0265215, MONDO:0018921.
Joubert syndrome. Also called: JOUBERT-BOLTSHAUSER SYNDROME; Familial aplasia of the vermis. Identifiers: Orphanet 475, MedGen C5979921, MONDO:0018772.

Allele frequency attached by ClinVar (database versions not stated): gnomAD 0.00002 and 0.00003; 1000 Genomes Project 30x 0.00016; 1000 Genomes Project 0.00020.
gnomAD v4.1: 27 of 1,614,094 alleles (0.0017%); highest among the groups gnomAD compares: East Asian, 0.022%; no homozygotes.

Submissions (4):

PreventionGenetics, part of Exact Sciences
Classification: Uncertain significance for RPGRIP1L-related condition. Last evaluated: 2026-01-13. Review status: criteria provided, single submitter. Criteria: ACMG Guidelines, 2015. Collection method: clinical testing. Allele origin: germline.
Comment: The RPGRIP1L c.281G>A variant is predicted to result in the amino acid substitution p.Arg94Gln. To our knowledge, this variant has not been reported in the literature. This variant is reported in 0.011% of alleles in individuals of East Asian descent in gnomAD. At this time, the clinical significance of this variant is uncertain due to the absence of conclusive functional and genetic evidence.

Blueprint Genetics
Classification: Uncertain significance. Last evaluated: 2024-05-15. Review status: criteria provided, single submitter. Criteria: ACMG Guidelines, 2015. Collection method: clinical testing. Allele origin: germline.

Labcorp Genetics (formerly Invitae), Labcorp
Classification: Uncertain significance for Joubert syndrome; Meckel-Gruber syndrome. Last evaluated: 2022-08-12. Review status: criteria provided, single submitter. Criteria: Invitae Variant Classification Sherloc (09022015). Collection method: clinical testing. Allele origin: germline.
Comment: This sequence change replaces arginine, which is basic and polar, with glutamine, which is neutral and polar, at codon 94 of the RPGRIP1L protein (p.Arg94Gln). This variant is present in population databases (rs549881475, gnomAD 0.02%). This variant has not been reported in the literature in individuals affected with RPGRIP1L-related conditions. ClinVar contains an entry for this variant (Variation ID: 1311307). Algorithms developed to predict the effect of missense changes on protein structure and function output the following: SIFT: "Tolerated"; PolyPhen-2: "Benign"; Align-GVGD: "Class C0". The glutamine amino acid residue is found in multiple mammalian species, which suggests that this missense change does not adversely affect protein function. In summary, the available evidence is currently insufficient to determine the role of this variant in disease. Therefore, it has been classified as a Variant of Uncertain Significance.

GeneDx
Classification: Uncertain significance. Last evaluated: 2019-12-26. Review status: criteria provided, single submitter. Criteria: GeneDx Variant Classification Process June 2021. Collection method: clinical testing. Allele origin: germline. Affected: yes.
Comment: Not observed at a significant frequency in large population cohorts (Lek et al., 2016); In silico analysis, which includes protein predictors and evolutionary conservation, supports that this variant does not alter protein structure/function; Has not been previously published as pathogenic or benign to our knowledge